The following is an entry in ClinVar:

ClinVar aggregate classification (germline): Pathogenic (1 of 4 stars; one submission).

Conditions:
3-Oxo-5 alpha-steroid delta 4-dehydrogenase deficiency (PPSH). Also called: MALE PSEUDOHERMAPHRODITISM DUE TO 5-ALPHA-REDUCTASE DEFICIENCY; PSEUDOVAGINAL PERINEOSCROTAL HYPOSPADIAS; FAMILIAL INCOMPLETE MALE PSEUDOHERMAPHRODITISM, TYPE 2; 46,XY disorder of sex development due to 5-alpha-reductase 2 deficiency. Identifiers: Orphanet 753, MedGen C0268297, MONDO:0009923, OMIM 264600. Disease mechanism: loss of function.

Allele frequency attached by ClinVar (database versions not stated): TOPMed below 0.00001.

Submission:

Labcorp Genetics (formerly Invitae), Labcorp
Classification: Pathogenic for 3-Oxo-5 alpha-steroid delta 4-dehydrogenase deficiency. Last evaluated: 2023-01-31. Review status: criteria provided, single submitter. Criteria: Invitae Variant Classification Sherloc (09022015). Collection method: clinical testing. Allele origin: germline.
Comment: This variant has not been reported in the literature in individuals affected with SRD5A2-related conditions. For these reasons, this variant has been classified as Pathogenic. This variant is not present in population databases (gnomAD no frequency). This sequence change creates a premature translational stop signal (p.Gln7*) in the SRD5A2 gene. It is expected to result in an absent or disrupted protein product. Loss-of-function variants in SRD5A2 are known to be pathogenic (PMID: 1406794, 1944596).

Literature cited by the submitters: PubMed 1406794; PubMed 1944596.

NM_000348.4(SRD5A2):c.19C>T (p.Gln7Ter)

Gene: SRD5A2 (steroid 5 alpha-reductase 2; minus strand). Cytogenetic location: 2p23.1.
Variant type: single nucleotide variant.
Coding change: c.19C>T on transcript NM_000348.4 (MANE Select); coding-DNA position 19, C replaced by T.
Protein change: p.Gln7Ter; replaces glutamine 7 with a stop codon.
Molecular consequence: nonsense.
Genome position (GRCh38, 1-based): chr2:31,580,882, G>A on the plus strand (C>T on the coding strand, the complement: SRD5A2 is on the minus strand). VCF-style: chr2-31580882-G-A. GRCh37 (hg19) VCF-style: chr2-31805951-G-A.
Other names: short protein forms Q7*.
Identifiers: ClinVar variation 2879647 (VCV002879647.3), dbSNP rs566562286, ClinGen allele CA346599272.